The following is an entry in ClinVar:

Conditions:
Breast-ovarian cancer, familial, susceptibility to, 1 (BROVCA1). Also called: BRCA1 Hereditary Breast and Ovarian Cancer; OVARIAN CANCER, SUSCEPTIBILITY TO. Identifiers: Orphanet 145, MedGen C2676676, MONDO:0011450, OMIM 604370. Disease mechanism: loss of function.

Submission:

Brotman Baty Institute, University of Washington
No classification provided (evidence only). Condition: Breast-ovarian cancer, familial 1. Review status: no classification provided. Collection method: in vitro. Allele origin: not applicable. Functional consequence: functionally_normal.
ClinVar note: "not provided" was previously submitted as the classification for the variant. However, the classification appeared to be based only on an observation of functional data so it was converted to no classification on 2025-07-30.

NM_007294.4(BRCA1):c.5451G>C (p.Glu1817Asp)

Gene: BRCA1 (BRCA1 DNA repair associated; minus strand). Cytogenetic location: 17q21.31.
Variant type: single nucleotide variant.
Coding change: c.5451G>C on transcript NM_007294.4 (MANE Select); coding-DNA position 5451, G replaced by C.
Protein change: p.Glu1817Asp; replaces glutamic acid 1817 with aspartic acid.
Molecular consequence: missense variant. On other transcripts: non-coding transcript variant (1).
Genome position (GRCh38, 1-based): chr17:43,047,659, C>G on the plus strand (G>C on the coding strand, the complement: BRCA1 is on the minus strand). VCF-style: chr17-43047659-C-G. GRCh37 (hg19) VCF-style: chr17-41199676-C-G.
Other names: c.5238G>C, p.Glu1746Asp (NM_001407571.1, NM_001407907.1, NM_001407908.1 and 12 more transcripts); c.5517G>C, p.Glu1839Asp (NM_001407581.1, NM_001407582.1); c.5514G>C, p.Glu1838Asp (NM_001407583.1, NM_001407585.1, NM_001407587.1 and 1 more transcripts); c.5511G>C, p.Glu1837Asp (NM_001407590.1, NM_001407591.1); c.5451G>C, p.Glu1817Asp (NM_001407593.1, NM_001407594.1, NM_001407596.1 and 5 more transcripts); c.5448G>C, p.Glu1816Asp (NM_001407614.1, NM_001407615.1, NM_001407616.1 and 14 more transcripts); c.5445G>C, p.Glu1815Asp (NM_001407633.1, NM_001407634.1, NM_001407635.1 and 13 more transcripts); c.5373G>C, p.Glu1791Asp (NM_001407655.1, NM_001407652.1, NM_001407653.1 and 1 more transcripts); and 83 more; short protein forms E1838D, E713D, E1770D, E1817D, G689R, E1520D, E1728D, E1745D.
Identifiers: ClinVar variation 865530 (VCV000865530.3), dbSNP rs1057523707, ClinGen allele CA10590491.